The following is an entry in ClinVar:

ClinVar aggregate classification (germline): Uncertain significance (1 of 4 stars; one submission).

Submission:

GeneDx
Classification: Uncertain significance. Last evaluated: 2022-03-02. Review status: criteria provided, single submitter. Criteria: GeneDx Variant Classification Process June 2021. Collection method: clinical testing. Allele origin: germline. Affected: yes.
Comment: Not observed at significant frequency in large population cohorts (gnomAD); In silico analysis supports that this missense variant does not alter protein structure/function; Has not been previously published as pathogenic or benign to our knowledge

NM_170606.3(KMT2C):c.11837C>A (p.Pro3946Gln)

Gene: KMT2C (lysine methyltransferase 2C; minus strand). Cytogenetic location: 7q36.1.
Variant type: single nucleotide variant.
Coding change: c.11837C>A on transcript NM_170606.3 (MANE Select); coding-DNA position 11837, C replaced by A.
Protein change: p.Pro3946Gln; replaces proline 3946 with glutamine.
Molecular consequence: missense variant.
Genome position (GRCh38, 1-based): chr7:152,156,033, G>T on the plus strand (C>A on the coding strand, the complement: KMT2C is on the minus strand). VCF-style: chr7-152156033-G-T. GRCh37 (hg19) VCF-style: chr7-151853118-G-T.
Other names: short protein forms P3946Q.
Identifiers: ClinVar variation 1704009 (VCV001704009.2), dbSNP rs2487642702, ClinGen allele CA370097755.